The following is an entry in ClinVar:

NM_001161352.2(KCNMA1):c.3457A>C (p.Lys1153Gln)

Genes: KCNMA1 (potassium calcium-activated channel subfamily M alpha 1; minus strand), KCNMA1-AS1 (KCNMA1 antisense RNA 1; plus strand). Cytogenetic location: 10q22.3.
Variant type: single nucleotide variant.
Coding change: c.3457A>C on transcript NM_001161352.2 (MANE Select); coding-DNA position 3457, A replaced by C.
Protein change: p.Lys1153Gln; replaces lysine 1153 with glutamine.
Molecular consequence: missense variant.
Genome position (GRCh38, 1-based): chr10:76,889,455, T>G on the plus strand (A>C on the coding strand, the complement: KCNMA1 is on the minus strand). VCF-style: chr10-76889455-T-G. GRCh37 (hg19) VCF-style: chr10-78649213-T-G.
Other names: c.3295A>C, p.Lys1099Gln (NM_001014797.3); c.3406A>C, p.Lys1136Gln (NM_001161353.2); c.3133A>C, p.Lys1045Gln (NM_001271518.2); c.3373A>C, p.Lys1125Gln (NM_001271519.2); c.3292A>C, p.Lys1098Gln (NM_001322829.2, NM_001322836.2); c.3385A>C, p.Lys1129Gln (NM_001322830.2); c.3283A>C, p.Lys1095Gln (NM_001322832.2, NM_002247.4); c.3376A>C, p.Lys1126Gln (NM_001322835.2, NM_001322837.2); and 1 more; short protein forms K1045Q, K1095Q, K1153Q, K944Q, K1099Q, K1129Q, K1136Q, K1098Q.
Identifiers: ClinVar variation 1377392 (VCV001377392.6), dbSNP rs2151796883, ClinGen allele CA377403001.

ClinVar aggregate classification (germline): Uncertain significance (1 of 4 stars; one submission).

Conditions:
Generalized epilepsy-paroxysmal dyskinesia syndrome (PNKD3). Also called: Paroxysmal nonkinesigenic dyskinesia, 3, with or without generalized epilepsy; Generalized epilepsy and paroxysmal dyskinesia. Identifiers: Orphanet 79137, MedGen C5574945, MONDO:0012276, OMIM 609446.

gnomAD v4.1: 7 of 1,602,560 alleles (0.00044%); highest among the groups gnomAD compares: African/African-American, 0.0013%; no homozygotes.

Submission:

Labcorp Genetics (formerly Invitae), Labcorp
Classification: Uncertain significance for Generalized epilepsy-paroxysmal dyskinesia syndrome. Last evaluated: 2021-08-24. Review status: criteria provided, single submitter. Criteria: Invitae Variant Classification Sherloc (09022015). Collection method: clinical testing. Allele origin: germline.
Comment: In summary, the available evidence is currently insufficient to determine the role of this variant in disease. Therefore, it has been classified as a Variant of Uncertain Significance. Algorithms developed to predict the effect of missense changes on protein structure and function (SIFT, PolyPhen-2, Align-GVGD) all suggest that this variant is likely to be disruptive. This variant has not been reported in the literature in individuals affected with KCNMA1-related conditions. This variant is not present in population databases (ExAC no frequency). This sequence change replaces lysine with glutamine at codon 1095 of the KCNMA1 protein (p.Lys1095Gln). The lysine residue is highly conserved and there is a small physicochemical difference between lysine and glutamine.